The following is an entry in ClinVar:

NM_001170629.2(CHD8):c.5080C>T (p.Pro1694Ser)

Gene: CHD8 (chromodomain helicase DNA binding protein 8; minus strand). Cytogenetic location: 14q11.2.
Variant type: single nucleotide variant.
Coding change: c.5080C>T on transcript NM_001170629.2 (MANE Select); coding-DNA position 5080, C replaced by T.
Protein change: p.Pro1694Ser; replaces proline 1694 with serine.
Molecular consequence: missense variant.
Genome position (GRCh38, 1-based): chr14:21,395,864, G>A on the plus strand (C>T on the coding strand, the complement: CHD8 is on the minus strand). VCF-style: chr14-21395864-G-A. GRCh37 (hg19) VCF-style: chr14-21864023-G-A.
Other names: c.4243C>T, p.Pro1415Ser (NM_020920.4); short protein forms P1415S, P1694S.
Identifiers: ClinVar variation 4882960 (VCV004882960.2).

ClinVar aggregate classification (germline): Uncertain significance (1 of 4 stars; one submission).

Submission:

Dasa
Classification: Uncertain significance. Last evaluated: 2026-03-13. Review status: criteria provided, single submitter. Criteria: DASA Assertion Criteria. Collection method: clinical testing. Allele origin: germline.
Comment: NM_001170629.2(CHD8):c.5080C>T (p.Pro1694Ser) is a missense variant that results in the substitution of proline with serine. This variant is rare in population databases. The currently available literature and clinical evidence are not sufficient to establish a definitive association between this variant and the reported condition. Therefore, this variant is classified as a variant of uncertain significance.